The following is an entry in ClinVar:

ClinVar aggregate classification (germline): Uncertain significance (1 of 4 stars; one submission).

Submission:

Labcorp Genetics (formerly Invitae), Labcorp
Classification: Uncertain significance. Last evaluated: 2022-01-12. Review status: criteria provided, single submitter. Criteria: Invitae Variant Classification Sherloc (09022015). Collection method: clinical testing. Allele origin: germline.
Comment: In summary, the available evidence is currently insufficient to determine the role of this variant in disease. Therefore, it has been classified as a Variant of Uncertain Significance. Algorithms developed to predict the effect of missense changes on protein structure and function output the following: SIFT: "Tolerated"; PolyPhen-2: "Benign"; Align-GVGD: "Class C0". The aspartic acid amino acid residue is found in multiple mammalian species, which suggests that this missense change does not adversely affect protein function. This sequence change replaces asparagine, which is neutral and polar, with aspartic acid, which is acidic and polar, at codon 1085 of the TUBGCP6 protein (p.Asn1085Asp). This variant is not present in population databases (gnomAD no frequency). This variant has not been reported in the literature in individuals affected with TUBGCP6-related conditions.

NM_020461.4(TUBGCP6):c.3253A>G (p.Asn1085Asp)

Gene: TUBGCP6 (tubulin gamma complex component 6; minus strand). Cytogenetic location: 22q13.33.
Variant type: single nucleotide variant.
Coding change: c.3253A>G on transcript NM_020461.4 (MANE Select); coding-DNA position 3253, A replaced by G.
Protein change: p.Asn1085Asp; replaces asparagine 1085 with aspartic acid.
Molecular consequence: missense variant.
Genome position (GRCh38, 1-based): chr22:50,221,106, T>C on the plus strand (A>G on the coding strand, the complement: TUBGCP6 is on the minus strand). VCF-style: chr22-50221106-T-C. GRCh37 (hg19) VCF-style: chr22-50659535-T-C.
Other names: short protein forms N1085D.
Identifiers: ClinVar variation 2081022 (VCV002081022.4), dbSNP rs1182509162, ClinGen allele CA412184072.